The following is an entry in ClinVar:

ClinVar aggregate classification (germline): Uncertain significance (1 of 4 stars; one submission).

Submission:

Ambry Genetics
Classification: Uncertain significance. Last evaluated: 2024-07-08. Review status: criteria provided, single submitter. Criteria: Ambry Variant Classification Scheme 2023. Collection method: clinical testing. Allele origin: germline.
Comment: The c.316-1G>T intronic variant results from a G to T substitution one nucleotide upstream from coding exon 4 of the RAD51B gene. This nucleotide position is highly conserved in available vertebrate species. In silico splice site analysis predicts that this alteration will weaken the native splice acceptor site and will result in the creation or strengthening of a novel splice acceptor site. Alterations that disrupt the canonical splice site are expected to cause aberrant splicing, resulting in an abnormal protein or a transcript that is subject to nonsense-mediated mRNA decay. The evidence for this gene-disease relationship is limited; therefore, the clinical significance of this alteration is unclear.

NM_133510.4(RAD51B):c.316-1G>T

Gene: RAD51B (RAD51 paralog B; plus strand). Cytogenetic location: 14q24.1.
Variant type: single nucleotide variant.
Coding change: c.316-1G>T on transcript NM_133510.4 (MANE Select); the canonical splice acceptor site of the intron before coding-DNA position 316, G replaced by T.
Molecular consequence: splice acceptor variant.
Genome position (GRCh38, 1-based): chr14:67,865,002, G>T. VCF-style: chr14-67865002-G-T. GRCh37 (hg19) VCF-style: chr14-68331719-G-T.
Other names: c.316-1G>T (NM_001321818.2, NM_001321809.2, NM_001321821.2 and 6 more transcripts); c.-42-1G>T (NM_001321817.2); c.202-1G>T (NM_001321815.1).
Identifiers: ClinVar variation 3429600 (VCV003429600.1).